The following is an entry in ClinVar:

NM_001382391.1(CSPP1):c.2560A>G (p.Ile854Val)

Gene: CSPP1 (centrosome and spindle pole associated protein 1; plus strand). Cytogenetic location: 8q13.2.
Variant type: single nucleotide variant.
Coding change: c.2560A>G on transcript NM_001382391.1 (MANE Select); coding-DNA position 2560, A replaced by G.
Protein change: p.Ile854Val; replaces isoleucine 854 with valine.
Molecular consequence: missense variant.
Genome position (GRCh38, 1-based): chr8:67,161,832, A>G. VCF-style: chr8-67161832-A-G. GRCh37 (hg19) VCF-style: chr8-68074067-A-G.
Other names: c.1510A>G, p.Ile504Val (NM_001291339.2); c.2479A>G, p.Ile827Val (NM_001363131.2); c.2365A>G, p.Ile789Val (NM_001363132.2); c.2284A>G, p.Ile762Val (NM_001363133.2); c.2626A>G, p.Ile876Val (NM_001364869.1); c.2446A>G, p.Ile816Val (NM_001364870.1); c.2545A>G, p.Ile849Val (NM_024790.7); short protein forms I504V, I816V, I854V, I789V, I849V, I827V, I876V, I762V.
Identifiers: ClinVar variation 3688087 (VCV003688087.1).

ClinVar aggregate classification (germline): Uncertain significance (1 of 4 stars; one submission).

Conditions:
Joubert syndrome 21 (JBTS21). Identifiers: MedGen C3810212, MONDO:0014288, OMIM 615636.

gnomAD v4.1: 2 of 1,613,138 alleles (0.00012%); highest among the groups gnomAD compares: Middle Eastern, 0.017%; no homozygotes.

Submission:

Labcorp Genetics (formerly Invitae), Labcorp
Classification: Uncertain significance for Joubert syndrome 21. Last evaluated: 2025-01-06. Review status: criteria provided, single submitter. Criteria: Invitae Variant Classification Sherloc (09022015). Collection method: clinical testing. Allele origin: germline.
Comment: This sequence change replaces isoleucine, which is neutral and non-polar, with valine, which is neutral and non-polar, at codon 849 of the CSPP1 protein (p.Ile849Val). This variant is not present in population databases (gnomAD no frequency). This variant has not been reported in the literature in individuals affected with CSPP1-related conditions. An algorithm developed to predict the effect of missense changes on protein structure and function outputs the following: PolyPhen-2: "Benign". The valine amino acid residue is found in multiple mammalian species, which suggests that this missense change does not adversely affect protein function. In summary, the available evidence is currently insufficient to determine the role of this variant in disease. Therefore, it has been classified as a Variant of Uncertain Significance.